The following is an entry in ClinVar:

ClinVar aggregate classification (germline): Conflicting classifications of pathogenicity. Review status: criteria provided, conflicting classifications (1 of 4 stars). 2 submissions from 2 submitters: Uncertain significance (1); Likely benign (1). Last evaluated 2023-03-23.

Conditions:
Hereditary cancer-predisposing syndrome. Also called: Tumor predisposition; Hereditary neoplastic syndrome; Neoplastic Syndromes, Hereditary; Hereditary Cancer Syndrome. Identifiers: Orphanet 140162, MedGen C0027672, MeSH D009386, MONDO:0015356.
Breast-ovarian cancer, familial, susceptibility to, 2 (BROVCA2). Also called: BRCA2 Hereditary Breast and Ovarian Cancer. Identifiers: Orphanet 145, MedGen C2675520, MONDO:0012933, OMIM 612555. Disease mechanism: loss of function.

Submissions (2):

University of Washington Department of Laboratory Medicine, University of Washington
Classification: Likely benign for Hereditary cancer-predisposing syndrome. Last evaluated: 2023-03-23. Review status: criteria provided, single submitter. Criteria: Dines et al. (Genet Med. 2020). Collection method: curation. Allele origin: germline.
Comment: Missense variant in a coldspot region where missense variants are very unlikely to be pathogenic (PMID:31911673).

BRCA2 exon 11 coldspot. Reclassification based on statistical prior probability.

Institute of Human Genetics, University of Goettingen
Classification: Uncertain significance for Breast-ovarian cancer, familial, susceptibility to, 2. Last evaluated: 2020-11-20. Review status: criteria provided, single submitter. Criteria: ACMG Guidelines, 2015. Collection method: clinical testing. Allele origin: unknown. Inheritance: Autosomal dominant inheritance. Observed: 1 heterozygote.

NM_000059.4(BRCA2):c.3628G>C (p.Asp1210His)

Gene: BRCA2 (BRCA2 DNA repair associated; plus strand). Cytogenetic location: 13q13.1.
Variant type: single nucleotide variant.
Coding change: c.3628G>C on transcript NM_000059.4 (MANE Select); coding-DNA position 3628, G replaced by C.
Protein change: p.Asp1210His; replaces aspartic acid 1210 with histidine.
Molecular consequence: missense variant.
Genome position (GRCh38, 1-based): chr13:32,337,983, G>C. VCF-style: chr13-32337983-G-C. GRCh37 (hg19) VCF-style: chr13-32912120-G-C.
Other names: short protein forms D1210H.
Identifiers: ClinVar variation 986412 (VCV000986412.5), dbSNP rs774392592, ClinGen allele CA387777601.